The following is an entry in ClinVar:

ClinVar aggregate classification (germline): Uncertain significance (1 of 4 stars; one submission).

Conditions:
Aortic valve disease 2 (AOVD2). Identifiers: MedGen C3542024, MONDO:0013902, OMIM 614823.

gnomAD v4.1: 1 of 1,354,436 alleles (0.000074%); highest among the groups gnomAD compares: Non-Finnish European, 0.000096%; no homozygotes.

Submission:

Labcorp Genetics (formerly Invitae), Labcorp
Classification: Uncertain significance for Aortic valve disease 2. Last evaluated: 2023-03-24. Review status: criteria provided, single submitter. Criteria: Invitae Variant Classification Sherloc (09022015). Collection method: clinical testing. Allele origin: germline.
Comment: This sequence change replaces glycine, which is neutral and non-polar, with arginine, which is basic and polar, at codon 199 of the SMAD6 protein (p.Gly199Arg). This variant is not present in population databases (gnomAD no frequency). This variant has not been reported in the literature in individuals affected with SMAD6-related conditions. Advanced modeling of protein sequence and biophysical properties (such as structural, functional, and spatial information, amino acid conservation, physicochemical variation, residue mobility, and thermodynamic stability) performed at Invitae indicates that this missense variant is not expected to disrupt SMAD6 protein function. In summary, the available evidence is currently insufficient to determine the role of this variant in disease. Therefore, it has been classified as a Variant of Uncertain Significance.

NM_005585.5(SMAD6):c.595G>C (p.Gly199Arg)

Gene: SMAD6 (SMAD family member 6; plus strand). Cytogenetic location: 15q22.31.
Variant type: single nucleotide variant.
Coding change: c.595G>C on transcript NM_005585.5 (MANE Select); coding-DNA position 595, G replaced by C.
Protein change: p.Gly199Arg; replaces glycine 199 with arginine.
Molecular consequence: missense variant. On other transcripts: non-coding transcript variant (1).
Genome position (GRCh38, 1-based): chr15:66,703,853, G>C. VCF-style: chr15-66703853-G-C. GRCh37 (hg19) VCF-style: chr15-66996191-G-C.
Other names: short protein forms G199R.
Identifiers: ClinVar variation 2983469 (VCV002983469.3), dbSNP rs1192188940, ClinGen allele CA392949862.